The following is an entry in ClinVar:

ClinVar aggregate classification (germline): Pathogenic/Likely pathogenic. Review status: criteria provided, multiple submitters, no conflicts (2 of 4 stars). 2 submissions from 2 submitters: Pathogenic (1); Likely pathogenic (1). Last evaluated 2025-12-03.

Conditions:
Choroideremia. Also called: Chorioretinal scalloped atrophy. Identifiers: Orphanet 180, MedGen C0008525, MONDO:0010557, OMIM 303100, HP:0001139.

Submissions (2):

Labcorp Genetics (formerly Invitae), Labcorp
Classification: Pathogenic. Last evaluated: 2025-12-03. Review status: criteria provided, single submitter. Criteria: Invitae Variant Classification Sherloc (09022015). Collection method: clinical testing. Allele origin: germline.
Comment: This sequence change creates a premature translational stop signal (p.Gly396*) in the CHM gene. It is expected to result in an absent or disrupted protein product. Loss-of-function variants in CHM are known to be pathogenic (PMID: 9067750, 23811034). This variant is not present in population databases (gnomAD no frequency). This variant has not been reported in the literature in individuals affected with CHM-related conditions. ClinVar contains an entry for this variant (Variation ID: 1725706). For these reasons, this variant has been classified as Pathogenic.

Myriad Genetics, Inc.
Classification: Likely pathogenic for Choroideremia. Last evaluated: 2022-03-31. Review status: criteria provided, single submitter. Criteria: Myriad Women's Health Autosomal Recessive and X-Linked Classification Criteria (2021). Collection method: clinical testing. Allele origin: unknown.
Comment: NM_000390.2(CHM):c.1186G>T(G396*) is expected to be pathogenic in the context of choroideremia. This variant is predicted to lead to an abnormal or absent protein product due to the creation of a premature termination codon in CHM, a gene where loss-of-function variants are known to be pathogenic. Please note: this variant was assessed in the context of healthy population screening.

Literature cited by the submitters: PubMed 9067750 (cited by Labcorp Genetics (formerly Invitae), Labcorp); PubMed 23811034 (cited by Labcorp Genetics (formerly Invitae), Labcorp).

NM_000390.4(CHM):c.1186G>T (p.Gly396Ter)

Gene: CHM (CHM Rab escort protein; minus strand). Cytogenetic location: Xq21.2.
Variant type: single nucleotide variant.
Coding change: c.1186G>T on transcript NM_000390.4 (MANE Select); coding-DNA position 1186, G replaced by T.
Protein change: p.Gly396Ter; replaces glycine 396 with a stop codon.
Molecular consequence: nonsense.
Genome position (GRCh38, 1-based): chrX:85,911,319, C>A on the plus strand (G>T on the coding strand, the complement: CHM is on the minus strand). VCF-style: chrX-85911319-C-A. GRCh37 (hg19) VCF-style: chrX-85166324-C-A.
Other names: c.742G>T, p.Gly248Ter (NM_001320959.1, NM_001362517.1, NM_001362518.2 and 1 more transcripts); short protein forms G248*, G396*.
Identifiers: ClinVar variation 1725706 (VCV001725706.3), dbSNP rs2520132180, ClinGen allele CA413790354.
Genomic context (GRCh38, chrX:85,911,319, plus strand): 5'-ACTTTCTGGATTCTTTGTCCACTACAAGGCACTGTACTGAATGGCGAAGACAATAAATTC[C>A]ACCAAACACAGCACACATCCTAGAAAGAGAACAGAAAAATAAGAATTAGGGTAATTGGGT-3'